The following is an entry in ClinVar:

NM_001374736.1(DST):c.14140G>A (p.Asp4714Asn)

Genes: DST (dystonin; minus strand), LOC129389544 (MPRA-validated peak5860 silencer; plus strand). Cytogenetic location: 6p12.1.
Variant type: single nucleotide variant.
Coding change: c.14140G>A on transcript NM_001374736.1 (MANE Select); coding-DNA position 14140, G replaced by A.
Protein change: p.Asp4714Asn; replaces aspartic acid 4714 with asparagine.
Molecular consequence: missense variant.
Genome position (GRCh38, 1-based): chr6:56,561,478, C>T on the plus strand (G>A on the coding strand, the complement: DST is on the minus strand). VCF-style: chr6-56561478-C-T. GRCh37 (hg19) VCF-style: chr6-56426276-C-T.
Other names: c.7783G>A, p.Asp2595Asn (NM_001144769.5); c.7369G>A, p.Asp2457Asn (NM_001144770.2); c.14140G>A, p.Asp4714Asn (NM_001374722.1); c.13507G>A, p.Asp4503Asn (NM_001374729.1); c.7249G>A, p.Asp2417Asn (NM_001374730.1, NM_183380.4); c.14167G>A, p.Asp4723Asn (NM_001374734.1); c.6271G>A, p.Asp2091Asn (NM_015548.5); short protein forms D4503N, D4714N, D2595N, D4723N, D2091N, D2417N, D2457N.
Identifiers: ClinVar variation 967658 (VCV000967658.8), dbSNP rs777868479, ClinGen allele CA3868086.

ClinVar aggregate classification (germline): Uncertain significance (1 of 4 stars; one submission).

Conditions:
Hereditary sensory and autonomic neuropathy type 6. Also called: Neuropathy, hereditary sensory and autonomic, type VI; HSAN VI. Identifiers: Orphanet 314381, MedGen C3539003, MONDO:0013839, OMIM 614653.
Epidermolysis bullosa simplex 3, localized or generalized intermediate, with BP230 deficiency (EBS3). Also called: Epidermolysis bullosa simplex, autosomal recessive 2; Epidermolysis bullosa simplex due to BP230 deficiency. Identifiers: Orphanet 412181, MedGen C3809470, MONDO:0014180, OMIM 615425.

Allele frequency attached by ClinVar (database versions not stated): gnomAD exomes below 0.00001; ExAC 0.00001.
gnomAD v4.1: 1 of 1,613,820 alleles (0.000062%); highest among the groups gnomAD compares: Non-Finnish European, 0.000085%; no homozygotes.

Submission:

Labcorp Genetics (formerly Invitae), Labcorp
Classification: Uncertain significance for Epidermolysis bullosa simplex 3, localized or generalized intermediate, with BP230 deficiency; Hereditary sensory and autonomic neuropathy type 6. Last evaluated: 2019-11-21. Review status: criteria provided, single submitter. Criteria: Invitae Variant Classification Sherloc (09022015). Collection method: clinical testing. Allele origin: germline.
Comment: In summary, the available evidence is currently insufficient to determine the role of this variant in disease. Therefore, it has been classified as a Variant of Uncertain Significance. Algorithms developed to predict the effect of missense changes on protein structure and function are either unavailable or do not agree on the potential impact of this missense change (SIFT: "Tolerated"; PolyPhen-2: "Not Available"; Align-GVGD: "Class C0"). This variant has not been reported in the literature in individuals with DST-related conditions. This variant is present in population databases (rs777868479, ExAC 0.001%). This sequence change replaces aspartic acid with asparagine at codon 2091 of the DST protein (p.Asp2091Asn). The aspartic acid residue is moderately conserved and there is a small physicochemical difference between the two amino acids. The DST gene has multiple clinically relevant transcripts. This variant occurs in alternate transcript NM_015548.4, and corresponds to NM_001723.5:c.*54039G>A in the primary transcript.